The following is an entry in ClinVar:

NM_004621.6(TRPC6):c.1106C>A (p.Ala369Asp)

Gene: TRPC6 (transient receptor potential cation channel subfamily C member 6; minus strand). Cytogenetic location: 11q22.1.
Variant type: single nucleotide variant.
Coding change: c.1106C>A on transcript NM_004621.6 (MANE Select); coding-DNA position 1106, C replaced by A.
Protein change: p.Ala369Asp; replaces alanine 369 with aspartic acid.
Molecular consequence: missense variant.
Genome position (GRCh38, 1-based): chr11:101,491,578, G>T on the plus strand (C>A on the coding strand, the complement: TRPC6 is on the minus strand). VCF-style: chr11-101491578-G-T. GRCh37 (hg19) VCF-style: chr11-101362309-G-T.
Other names: short protein forms A369D.
Identifiers: ClinVar variation 2129424 (VCV002129424.5), dbSNP rs2496173168, ClinGen allele CA382444585.
Genomic context (GRCh38, chr11:101,491,578, plus strand): 5'-ACCAAAATAATGTAAACGGGCTTCACGCCTGACCTTACTTTTTTTACTTCATATTTAATG[G>T]CAAGTTTTAAACGGCTGAGATTTGGGCGACCGTGATCACCACTCTGGAGCGTTTCAACAT-3'
Protein context (NP_004612.2, residues 359-379): GRPNLSRLKL[Ala369Asp]IKYEVKKFVA

ClinVar aggregate classification (germline): Uncertain significance. Review status: criteria provided, multiple submitters, no conflicts (2 of 4 stars). 2 submissions from 2 submitters: Uncertain significance (2). Last evaluated 2025-04-21.

Conditions:
Inborn genetic diseases. Identifiers: MedGen C0950123, MeSH D030342.

Submissions (2):

Labcorp Genetics (formerly Invitae), Labcorp
Classification: Uncertain significance. Last evaluated: 2025-04-21. Review status: criteria provided, single submitter. Criteria: Invitae Variant Classification Sherloc (09022015). Collection method: clinical testing. Allele origin: germline.
Comment: This sequence change replaces alanine, which is neutral and non-polar, with aspartic acid, which is acidic and polar, at codon 369 of the TRPC6 protein (p.Ala369Asp). This variant is not present in population databases (gnomAD no frequency). This variant has not been reported in the literature in individuals affected with TRPC6-related conditions. ClinVar contains an entry for this variant (Variation ID: 2129424). Invitae Evidence Modeling of protein sequence and biophysical properties (such as structural, functional, and spatial information, amino acid conservation, physicochemical variation, residue mobility, and thermodynamic stability) indicates that this missense variant is expected to disrupt TRPC6 protein function with a positive predictive value of 95%. In summary, the available evidence is currently insufficient to determine the role of this variant in disease. Therefore, it has been classified as a Variant of Uncertain Significance.

Ambry Genetics
Classification: Uncertain significance for Inborn genetic diseases. Last evaluated: 2021-09-17. Review status: criteria provided, single submitter. Criteria: Ambry Variant Classification Scheme 2023. Collection method: clinical testing. Allele origin: germline.